The following is an entry in ClinVar:

ClinVar aggregate classification (germline): Uncertain significance (1 of 4 stars; one submission).

Conditions:
LRTOMT-related disorder. Also called: LRTOMT-related condition.

gnomAD v4.1: 4 of 1,550,640 alleles (0.00026%); highest among the groups gnomAD compares: Admixed American, 0.0078%; no homozygotes.

Submission:

PreventionGenetics, part of Exact Sciences
Classification: Uncertain significance for LRTOMT-related condition. Last evaluated: 2026-06-11. Review status: criteria provided, single submitter. Criteria: ACMG Guidelines, 2015. Collection method: clinical testing. Allele origin: germline.
Comment: The LRTOMT c.138G>A variant is not predicted to result in an amino acid change (p.=). This variant is predicted to alter splicing based on available splicing prediction software (SpliceAI, Jaganathan et al. 2019. PubMed ID: 30661751). However, the use of computer prediction software is not equivalent to functional evidence. To our knowledge, this variant has not been reported in the literature. This variant is reported in 0.0041% of alleles in individuals of Latino descent in gnomAD. At this time, the clinical significance of this variant is uncertain due to the absence of conclusive functional and genetic evidence.

NM_001145308.5(LRTOMT):c.138G>A (p.Val46=)

Genes: LRTOMT (leucine rich transmembrane and O-methyltransferase domain containing; plus strand), TOMT (transmembrane O-methyltransferase; plus strand). Cytogenetic location: 11q13.4.
Variant type: single nucleotide variant.
Coding change: c.138G>A on transcript NM_001145308.5; coding-DNA position 138, G replaced by A.
Protein change: p.Val46=; no amino-acid change (valine 46 retained).
Molecular consequence: synonymous variant. On other transcripts: intron variant (1).
Genome position (GRCh38, 1-based): chr11:72,105,990, G>A. VCF-style: chr11-72105990-G-A. GRCh37 (hg19) VCF-style: chr11-71817036-G-A.
Other names: c.39G>A, p.Val13= (NM_001393500.2); c.138G>A, p.Val46= (NM_001145309.4); c.84-66G>A (NM_001145310.4).
Identifiers: ClinVar variation 4983815 (VCV004983815.1).